The following is an entry in ClinVar:

NM_030958.3(SLCO5A1):c.1131GAAAAA[2] (p.Lys382_Lys383del)

Gene: SLCO5A1 (solute carrier organic anion transporter family member 5A1; minus strand). Cytogenetic location: 8q13.3.
Variant type: Microsatellite.
Coding change: c.1131GAAAAA[2] on transcript NM_030958.3 (MANE Select); two copies in a row of the 6-base unit GAAAAA starting at c.1131; the reference has three copies in a row; one copy, 6 bases deleted.
Protein change: p.Lys382_Lys383del.
Molecular consequence: inframe deletion.
Genome position (GRCh38, 1-based): chr8:69,755,534-69,755,539, TTTTTC deleted on the plus strand (GAAAAA on the coding strand, the reverse complement: SLCO5A1 is on the minus strand); deleting any 6 consecutive bases within chr8:69,755,534-69,755,553 gives the same sequence; the position shown is the placement nearest the transcript's 3' end. VCF-style (leftmost placement, unchanged base first): chr8-69755533-TTTTTTC-T. GRCh37 (hg19) VCF-style: chr8-70667768-TTTTTTC-T.
Other names: c.1131GAAAAA[2], p.Lys382_Lys383del (NM_001146008.2, NM_001146009.1).
Identifiers: ClinVar variation 2875839 (VCV002875839.3), dbSNP rs1817504767, ClinGen allele CA1792010591.

ClinVar aggregate classification (germline): Uncertain significance (1 of 4 stars; one submission).

Submission:

Labcorp Genetics (formerly Invitae), Labcorp
Classification: Uncertain significance. Last evaluated: 2023-08-28. Review status: criteria provided, single submitter. Criteria: Invitae Variant Classification Sherloc (09022015). Collection method: clinical testing. Allele origin: germline.
Comment: In summary, the available evidence is currently insufficient to determine the role of this variant in disease. Therefore, it has been classified as a Variant of Uncertain Significance. Experimental studies and prediction algorithms are not available or were not evaluated, and the functional significance of this variant is currently unknown. This variant has not been reported in the literature in individuals affected with SLCO5A1-related conditions. This variant is not present in population databases (gnomAD no frequency). This variant, c.1143_1148del, results in the deletion of 2 amino acid(s) of the SLCO5A1 protein (p.Lys382_Lys383del), but otherwise preserves the integrity of the reading frame.